The following is an entry in ClinVar:

NM_000238.4(KCNH2):c.1179G>A (p.Pro393=)

Gene: KCNH2 (potassium voltage-gated channel subfamily H member 2; minus strand). Cytogenetic location: 7q36.1.
Variant type: single nucleotide variant.
Coding change: c.1179G>A on transcript NM_000238.4 (MANE Select); coding-DNA position 1179, G replaced by A.
Protein change: p.Pro393=; no amino-acid change (proline 393 retained).
Molecular consequence: synonymous variant. On other transcripts: non-coding transcript variant (2).
Genome position (GRCh38, 1-based): chr7:150,952,803, C>T on the plus strand (G>A on the coding strand, the complement: KCNH2 is on the minus strand). VCF-style: chr7-150952803-C-T. GRCh37 (hg19) VCF-style: chr7-150649891-C-T.
Other names: c.159G>A, p.Pro53= (NM_001204798.2, NM_172057.3); c.891G>A, p.Pro297= (NM_001406753.1, NM_001406756.1); c.1002G>A, p.Pro334= (NM_001406755.1); c.879G>A, p.Pro293= (NM_001406757.1); c.1179G>A, p.Pro393= (NM_172056.3).
Identifiers: ClinVar variation 921327 (VCV000921327.24), dbSNP rs200020952, ClinGen allele CA027310.

ClinVar aggregate classification (germline): Likely benign. Review status: criteria provided, multiple submitters, no conflicts (2 of 4 stars). 5 submissions from 5 submitters: Likely benign (5). Last evaluated 2026-07-09.

Conditions:
Cardiac arrhythmia. Also called: Cardiac rhythm disease; Arrhythmia. Identifiers: MedGen C0003811, MONDO:0007263, HP:0011675.
Cardiovascular phenotype. Identifiers: MedGen CN230736.
Long QT syndrome (LQTS). Identifiers: MedGen C0023976, MeSH D008133, MONDO:0002442. Disease mechanism: loss of function. Inheritance: Various modes of inheritance.

Allele frequency attached by ClinVar (database versions not stated): TOPMed 0.00001; gnomAD exomes 0.00002 and 0.00004; ExAC 0.00004; gnomAD 0.00004 and 0.00005; 1000 Genomes Project 30x 0.00031; 1000 Genomes Project 0.00040.
gnomAD v4.1: 30 of 1,614,020 alleles (0.0019%); highest among the groups gnomAD compares: East Asian, 0.0022%; no homozygotes.

Submissions (5):

Ambry Genetics
Classification: Likely benign for Cardiovascular phenotype. Last evaluated: 2026-07-09. Review status: criteria provided, single submitter. Criteria: Ambry Variant Classification Scheme 2023. Collection method: clinical testing. Allele origin: germline.

Labcorp Genetics (formerly Invitae), Labcorp
Classification: Likely benign for Long QT syndrome. Last evaluated: 2025-09-15. Review status: criteria provided, single submitter. Criteria: Invitae Variant Classification Sherloc (09022015). Collection method: clinical testing. Allele origin: germline.

CeGaT Center for Human Genetics Tuebingen
Classification: Likely benign. Last evaluated: 2025-06-01. Review status: criteria provided, single submitter. Criteria: CeGaT Center For Human Genetics Tuebingen Variant Classification Criteria Version 2. Collection method: clinical testing. Allele origin: germline. Affected: yes. Observed: 1 variant allele.
Comment: KCNH2: BP4, BP7

All of Us Research Program, National Institutes of Health
Classification: Likely benign for Long QT syndrome. Last evaluated: 2023-12-07. Review status: criteria provided, single submitter. Criteria: ACMG Guidelines, 2015. Collection method: clinical testing. Allele origin: germline. Inheritance: Autosomal dominant inheritance. Observed: 2 variant alleles, 2 heterozygotes.
Comment: This study involves interpretation of variants in research participants for the purpose of population health screening. Participant phenotype was not available at the time of variant classification. Additional details can be found in publication PMID: 35346344, PMCID: PMC8962531

Color Diagnostics, LLC DBA Color Health
Classification: Likely benign for Arrhythmia. Last evaluated: 2018-12-10. Review status: criteria provided, single submitter. Criteria: ACMG Guidelines, 2015. Collection method: clinical testing. Allele origin: germline.